The following is an entry in ClinVar:

NM_014264.5(PLK4):c.964A>G (p.Met322Val)

Gene: PLK4 (polo like kinase 4; plus strand). Cytogenetic location: 4q28.1.
Variant type: single nucleotide variant.
Coding change: c.964A>G on transcript NM_014264.5 (MANE Select); coding-DNA position 964, A replaced by G.
Protein change: p.Met322Val; replaces methionine 322 with valine.
Molecular consequence: missense variant.
Genome position (GRCh38, 1-based): chr4:127,886,334, A>G. VCF-style: chr4-127886334-A-G. GRCh37 (hg19) VCF-style: chr4-128807489-A-G.
Other names: c.868A>G, p.Met290Val (NM_001190799.2); c.841A>G, p.Met281Val (NM_001190801.2); short protein forms M322V, M281V, M290V.
Identifiers: ClinVar variation 934453 (VCV000934453.6), dbSNP rs368395763, ClinGen allele CA3076661.

ClinVar aggregate classification (germline): Uncertain significance. Review status: criteria provided, multiple submitters, no conflicts (2 of 4 stars). 2 submissions from 2 submitters: Uncertain significance (2). Last evaluated 2025-08-29.

Conditions:
Inborn genetic diseases. Identifiers: MedGen C0950123, MeSH D030342.

Allele frequency attached by ClinVar (database versions not stated): gnomAD exomes below 0.00001 and 0.00001; ExAC 0.00001; TOPMed 0.00003; gnomAD 0.00004 and 0.00005; ESP Exome Variant Server 0.00015.
gnomAD v4.1: 13 of 1,613,678 alleles (0.00081%); highest among the groups gnomAD compares: African/African-American, 0.013%; no homozygotes.

Submissions (2):

Ambry Genetics
Classification: Uncertain significance for Inborn genetic diseases. Last evaluated: 2025-08-29. Review status: criteria provided, single submitter. Criteria: Ambry Variant Classification Scheme 2023. Collection method: clinical testing. Allele origin: germline.

Labcorp Genetics (formerly Invitae), Labcorp
Classification: Uncertain significance. Last evaluated: 2025-01-13. Review status: criteria provided, single submitter. Criteria: Invitae Variant Classification Sherloc (09022015). Collection method: clinical testing. Allele origin: germline.
Comment: This sequence change replaces methionine, which is neutral and non-polar, with valine, which is neutral and non-polar, at codon 322 of the PLK4 protein (p.Met322Val). This variant is present in population databases (rs368395763, gnomAD 0.02%). This variant has not been reported in the literature in individuals affected with PLK4-related conditions. ClinVar contains an entry for this variant (Variation ID: 934453). An algorithm developed to predict the effect of missense changes on protein structure and function outputs the following: PolyPhen-2: "Benign". The valine amino acid residue is found in multiple mammalian species, which suggests that this missense change does not adversely affect protein function. In summary, the available evidence is currently insufficient to determine the role of this variant in disease. Therefore, it has been classified as a Variant of Uncertain Significance.